The following is an entry in ClinVar:

ClinVar aggregate classification (germline): Uncertain significance (1 of 4 stars; one submission).

Conditions:
Capillary malformation-arteriovenous malformation syndrome. Also called: Capillary malformation-arteriovenous malformation. Identifiers: Orphanet 137667, MedGen C1842180, MONDO:0012016.

Submission:

Labcorp Genetics (formerly Invitae), Labcorp
Classification: Uncertain significance for Capillary malformation-arteriovenous malformation syndrome. Last evaluated: 2023-07-19. Review status: criteria provided, single submitter. Criteria: Invitae Variant Classification Sherloc (09022015). Collection method: clinical testing. Allele origin: germline.
Comment: In summary, the available evidence is currently insufficient to determine the role of this variant in disease. Therefore, it has been classified as a Variant of Uncertain Significance. This sequence change affects codon 975 of the RASA1 mRNA. It is a 'silent' change, meaning that it does not change the encoded amino acid sequence of the RASA1 protein. This variant also falls at the last nucleotide of exon 23, which is part of the consensus splice site for this exon. This variant is not present in population databases (gnomAD no frequency). This variant has not been reported in the literature in individuals affected with RASA1-related conditions. Variants that disrupt the consensus splice site are a relatively common cause of aberrant splicing (PMID: 17576681, 9536098). Algorithms developed to predict the effect of sequence changes on RNA splicing suggest that this variant may create or strengthen a splice site.

Literature cited by the submitters: PubMed 17576681; PubMed 9536098.

NM_002890.3(RASA1):c.2925G>A (p.Gly975=)

Genes: CCNH (cyclin H; minus strand), RASA1 (RAS p21 protein activator 1; plus strand). Cytogenetic location: 5q14.3.
Variant type: single nucleotide variant.
Coding change: c.2925G>A on transcript NM_002890.3 (MANE Select); coding-DNA position 2925, G replaced by A.
Protein change: p.Gly975=; no amino-acid change (glycine 975 retained).
Molecular consequence: synonymous variant. On other transcripts: intron variant (1).
Genome position (GRCh38, 1-based): chr5:87,386,903, G>A. VCF-style: chr5-87386903-G-A. GRCh37 (hg19) VCF-style: chr5-86682720-G-A.
Other names: c.2394G>A, p.Gly798= (NM_022650.3); c.933+8141C>T (NM_001364075.2).
Identifiers: ClinVar variation 2745106 (VCV002745106.3), dbSNP rs2531385907, ClinGen allele CA445201605.